The following is an entry in ClinVar:

ClinVar aggregate classification (germline): Uncertain significance (1 of 4 stars; one submission).

Conditions:
MHC class I deficiency. Identifiers: Orphanet 34592, MedGen C6024714, MONDO:0011476.

Submission:

Labcorp Genetics (formerly Invitae), Labcorp
Classification: Uncertain significance for MHC class I deficiency 1. Last evaluated: 2025-12-22. Review status: criteria provided, single submitter. Criteria: Invitae Variant Classification Sherloc (09022015). Collection method: clinical testing. Allele origin: germline.
Comment: This sequence change creates a premature translational stop signal (p.Glu190Glyfs*16) in the TAPBP gene. It is expected to result in an absent or disrupted protein product. However, the current clinical and genetic evidence is not sufficient to establish whether loss-of-function variants in TAPBP cause disease. This variant is not present in population databases (gnomAD no frequency). This variant has not been reported in the literature in individuals affected with TAPBP-related conditions. ClinVar contains an entry for this variant (Variation ID: 2732160). In summary, the available evidence is currently insufficient to determine the role of this variant in disease. Therefore, it has been classified as a Variant of Uncertain Significance.

NM_003190.5(TAPBP):c.569_591del (p.Glu190fs)

Gene: TAPBP (TAP binding protein; minus strand). Cytogenetic location: 6p21.32.
Variant type: Deletion.
Coding change: c.569_591del on transcript NM_003190.5 (MANE Select); coding-DNA positions 569 to 591, 23 bases deleted (AGGCCGCCTCATCTCTGGCTCCG).
Protein change: p.Glu190fs; shifts the reading frame from glutamic acid 190.
Molecular consequence: frameshift variant.
Genome position (GRCh38, 1-based): chr6:33,305,266-33,305,288, CGGAGCCAGAGATGAGGCGGCCT deleted on the plus strand (AGGCCGCCTCATCTCTGGCTCCG on the coding strand, the reverse complement: TAPBP is on the minus strand); deleting any 23 consecutive bases within chr6:33,305,266-33,305,293 gives the same sequence; the c. name uses the placement nearest the transcript's 3' end. VCF-style (leftmost placement, unchanged base first): chr6-33305265-CCGGAGCCAGAGATGAGGCGGCCT-C. GRCh37 (hg19) VCF-style: chr6-33273042-CCGGAGCCAGAGATGAGGCGGCCT-C.
Other names: c.569_591del, p.Glu190fs (NM_001410875.1, NM_172208.3); c.308_330del, p.Glu103fs (NM_172209.3); short protein forms E103fs, E190fs.
Identifiers: ClinVar variation 2732160 (VCV002732160.3), dbSNP rs1768902276, ClinGen allele CA1087654052.